The following is an entry in ClinVar:

NM_015072.5(TTLL5):c.1433G>A (p.Arg478Gln)

Gene: TTLL5 (tubulin tyrosine ligase like 5; plus strand). Cytogenetic location: 14q24.3.
Variant type: single nucleotide variant.
Coding change: c.1433G>A on transcript NM_015072.5 (MANE Select); coding-DNA position 1433, G replaced by A.
Protein change: p.Arg478Gln; replaces arginine 478 with glutamine.
Molecular consequence: missense variant.
Genome position (GRCh38, 1-based): chr14:75,745,527, G>A. VCF-style: chr14-75745527-G-A. GRCh37 (hg19) VCF-style: chr14-76211870-G-A.
Other names: short protein forms R478Q.
Identifiers: ClinVar variation 851240 (VCV000851240.10), dbSNP rs1029865156, ClinGen allele CA263683720.

ClinVar aggregate classification (germline): Uncertain significance. Review status: criteria provided, multiple submitters, no conflicts (2 of 4 stars). 2 submissions from 2 submitters: Uncertain significance (2). Last evaluated 2025-01-06.

Allele frequency attached by ClinVar (database versions not stated): gnomAD exomes 0.00005; gnomAD 0.00007; TOPMed 0.00004.
gnomAD v4.1: 75 of 1,613,500 alleles (0.0046%); highest among the groups gnomAD compares: Admixed American, 0.033%; no homozygotes.

Submissions (2):

Labcorp Genetics (formerly Invitae), Labcorp
Classification: Uncertain significance. Last evaluated: 2025-01-06. Review status: criteria provided, single submitter. Criteria: Invitae Variant Classification Sherloc (09022015). Collection method: clinical testing. Allele origin: germline.
Comment: This sequence change replaces arginine, which is basic and polar, with glutamine, which is neutral and polar, at codon 478 of the TTLL5 protein (p.Arg478Gln). This variant is present in population databases (no rsID available, gnomAD 0.03%). This missense change has been observed in individuals with clinical features of TTLL5-related conditions (PMID: 38264610; internal data). ClinVar contains an entry for this variant (Variation ID: 851240). Invitae Evidence Modeling of protein sequence and biophysical properties (such as structural, functional, and spatial information, amino acid conservation, physicochemical variation, residue mobility, and thermodynamic stability) has been performed for this missense variant. However, the output from this modeling did not meet the statistical confidence thresholds required to predict the impact of this variant on TTLL5 protein function. In summary, the available evidence is currently insufficient to determine the role of this variant in disease. Therefore, it has been classified as a Variant of Uncertain Significance.

Blueprint Genetics
Classification: Uncertain significance. Last evaluated: 2020-09-21. Review status: criteria provided, single submitter. Criteria: ACMG Guidelines, 2015. Collection method: clinical testing. Allele origin: germline.

Literature cited by the submitters: PubMed 38264610 (cited by Labcorp Genetics (formerly Invitae), Labcorp).